The following is an entry in ClinVar:

ClinVar aggregate classification (germline): Pathogenic (1 of 4 stars; one submission).

Conditions:
Peroxisome biogenesis disorder. Identifiers: Orphanet 79189, MedGen C1832200, MONDO:0019234. Disease mechanism: loss of function.

Allele frequency attached by ClinVar (database versions not stated): gnomAD exomes 0.00001.
gnomAD v4.1: 7 of 1,488,538 alleles (0.00047%); highest among the groups gnomAD compares: African/African-American, 0.0015%; no homozygotes.

Submission:

Labcorp Genetics (formerly Invitae), Labcorp
Classification: Pathogenic for Peroxisome biogenesis disorder. Last evaluated: 2023-10-13. Review status: criteria provided, single submitter. Criteria: Invitae Variant Classification Sherloc (09022015). Collection method: clinical testing. Allele origin: germline.
Comment: This sequence change creates a premature translational stop signal (p.Gln73*) in the PEX6 gene. It is expected to result in an absent or disrupted protein product. Loss-of-function variants in PEX6 are known to be pathogenic (PMID: 10408779, 21031596, 31831025). This variant is not present in population databases (gnomAD no frequency). This variant has not been reported in the literature in individuals affected with PEX6-related conditions. For these reasons, this variant has been classified as Pathogenic.

Literature cited by the submitters: PubMed 10408779; PubMed 21031596; PubMed 31831025.

NM_000287.4(PEX6):c.217C>T (p.Gln73Ter)

Gene: PEX6 (peroxisomal biogenesis factor 6; minus strand). Cytogenetic location: 6p21.1.
Variant type: single nucleotide variant.
Coding change: c.217C>T on transcript NM_000287.4 (MANE Select); coding-DNA position 217, C replaced by T.
Protein change: p.Gln73Ter; replaces glutamine 73 with a stop codon.
Molecular consequence: nonsense. On other transcripts: non-coding transcript variant (1).
Genome position (GRCh38, 1-based): chr6:42,978,934, G>A on the plus strand (C>T on the coding strand, the complement: PEX6 is on the minus strand). VCF-style: chr6-42978934-G-A. GRCh37 (hg19) VCF-style: chr6-42946672-G-A.
Other names: c.217C>T, p.Gln73Ter (NM_001316313.2); short protein forms Q73*.
Identifiers: ClinVar variation 2767954 (VCV002767954.3), dbSNP rs2481282209, ClinGen allele CA364168029.